The following is an entry in ClinVar:

ClinVar aggregate classification (germline): Uncertain significance. Review status: criteria provided, multiple submitters, no conflicts (2 of 4 stars). 2 submissions from 2 submitters: Uncertain significance (2). Last evaluated 2022-07-08.

Conditions:
Neuronal ceroid lipofuscinosis. Also called: Neuronal Ceroid Lipofuscinoses. Identifiers: Orphanet 216, Orphanet 79263, MedGen C0027877, MONDO:0016295. Disease mechanism: loss of function.

Submissions (2):

Labcorp Genetics (formerly Invitae), Labcorp
Classification: Uncertain significance for Neuronal ceroid lipofuscinosis. Last evaluated: 2022-07-08. Review status: criteria provided, single submitter. Criteria: Invitae Variant Classification Sherloc (09022015). Collection method: clinical testing. Allele origin: germline.
Comment: This sequence change replaces valine, which is neutral and non-polar, with leucine, which is neutral and non-polar, at codon 404 of the CTSD protein (p.Val404Leu). This variant is not present in population databases (gnomAD no frequency). This variant has not been reported in the literature in individuals affected with CTSD-related conditions. ClinVar contains an entry for this variant (Variation ID: 432632). Algorithms developed to predict the effect of missense changes on protein structure and function are either unavailable or do not agree on the potential impact of this missense change (SIFT: "Tolerated"; PolyPhen-2: "Possibly Damaging"; Align-GVGD: "Class C0"). In summary, the available evidence is currently insufficient to determine the role of this variant in disease. Therefore, it has been classified as a Variant of Uncertain Significance.

GeneDx
Classification: Uncertain significance. Last evaluated: 2017-06-09. Review status: criteria provided, single submitter. Criteria: GeneDx Variant Classification (06012015). Collection method: clinical testing. Allele origin: germline. Affected: yes.
Comment: A variant of uncertain significance has been identified in the CTSD gene. The V404L variant has not been published as a pathogenic variant, nor has it been reported as a benign variant to our knowledge. The V404L variant is not observed in large population cohorts (Lek et al., 2016; 1000 Genomes Consortium et al., 2015; Exome Variant Server). The V404L variant is a conservative amino acid substitution, which is not likely to impact secondary protein structure as these residues share similar properties. However, this substitution occurs at a position that is conserved across species, and in silico analysis predicts this variant is probably damaging to the protein structure/function. Therefore, based on the currently available information, it is unclear whether this variant is a pathogenic variant or a rare benign variant.

NM_001909.5(CTSD):c.1210G>T (p.Val404Leu)

Gene: CTSD (cathepsin D; minus strand). Cytogenetic location: 11p15.5.
Variant type: single nucleotide variant.
Coding change: c.1210G>T on transcript NM_001909.5 (MANE Select); coding-DNA position 1210, G replaced by T.
Protein change: p.Val404Leu; replaces valine 404 with leucine.
Molecular consequence: missense variant.
Genome position (GRCh38, 1-based): chr11:1,753,532, C>A on the plus strand (G>T on the coding strand, the complement: CTSD is on the minus strand). VCF-style: chr11-1753532-C-A. GRCh37 (hg19) VCF-style: chr11-1774762-C-A.
Other names: short protein forms V404L.
Identifiers: ClinVar variation 432632 (VCV000432632.4), dbSNP rs750489880, ClinGen allele CA379092357.